The following is an entry in ClinVar:

NM_000182.5(HADHA):c.1618A>G (p.Lys540Glu)

Genes: HADHA (hydroxyacyl-CoA dehydrogenase trifunctional multienzyme complex subunit alpha; minus strand), GAREM2 (GRB2 associated regulator of MAPK1 subtype 2; plus strand). Cytogenetic location: 2p23.3.
Variant type: single nucleotide variant.
Coding change: c.1618A>G on transcript NM_000182.5 (MANE Select); coding-DNA position 1618, A replaced by G.
Protein change: p.Lys540Glu; replaces lysine 540 with glutamic acid.
Molecular consequence: missense variant.
Genome position (GRCh38, 1-based): chr2:26,195,094, T>C on the plus strand (A>G on the coding strand, the complement: HADHA is on the minus strand). VCF-style: chr2-26195094-T-C. GRCh37 (hg19) VCF-style: chr2-26417963-T-C.
Other names: short protein forms K540E.
Identifiers: ClinVar variation 2191903 (VCV002191903.1), dbSNP rs886467974, ClinGen allele CA44379872.

ClinVar aggregate classification (germline): Uncertain significance (1 of 4 stars; one submission).

Conditions:
Long chain 3-hydroxyacyl-CoA dehydrogenase deficiency. Also called: Deficiency of long-chain 3-hydroxyacyl-coenzyme A dehydrogenase; LCHAD Deficiency. Identifiers: Orphanet 5, MedGen C3711645, MONDO:0012173, OMIM 609016.
Mitochondrial trifunctional protein deficiency. Identifiers: Orphanet 746, MedGen C1969443, MONDO:0012172.

Allele frequency attached by ClinVar (database versions not stated): gnomAD exomes below 0.00001; gnomAD 0.00001; TOPMed 0.00002.
gnomAD v4.1: 7 of 1,612,910 alleles (0.00043%); highest among the groups gnomAD compares: Admixed American, 0.012%; no homozygotes.

Submission:

Labcorp Genetics (formerly Invitae), Labcorp
Classification: Uncertain significance for Mitochondrial trifunctional protein deficiency; Long chain 3-hydroxyacyl-CoA dehydrogenase deficiency. Last evaluated: 2022-10-04. Review status: criteria provided, single submitter. Criteria: Invitae Variant Classification Sherloc (09022015). Collection method: clinical testing. Allele origin: germline.
Comment: This sequence change replaces lysine, which is basic and polar, with glutamic acid, which is acidic and polar, at codon 540 of the HADHA protein (p.Lys540Glu). This variant is present in population databases (no rsID available, gnomAD 0.01%). This variant has not been reported in the literature in individuals affected with HADHA-related conditions. Algorithms developed to predict the effect of missense changes on protein structure and function (SIFT, PolyPhen-2, Align-GVGD) all suggest that this variant is likely to be tolerated. In summary, the available evidence is currently insufficient to determine the role of this variant in disease. Therefore, it has been classified as a Variant of Uncertain Significance.